The following is an entry in ClinVar:

NM_000256.3(MYBPC3):c.3160G>A (p.Asp1054Asn)

Gene: MYBPC3 (myosin binding protein C3; minus strand). Cytogenetic location: 11p11.2.
Variant type: single nucleotide variant.
Coding change: c.3160G>A on transcript NM_000256.3 (MANE Select); coding-DNA position 3160, G replaced by A.
Protein change: p.Asp1054Asn; replaces aspartic acid 1054 with asparagine.
Molecular consequence: missense variant.
Genome position (GRCh38, 1-based): chr11:47,333,587, C>T on the plus strand (G>A on the coding strand, the complement: MYBPC3 is on the minus strand). VCF-style: chr11-47333587-C-T. GRCh37 (hg19) VCF-style: chr11-47355138-C-T.
Other names: short protein forms D1054N.
Identifiers: ClinVar variation 1728307 (VCV001728307.12), dbSNP rs1250336519, ClinGen allele CA380314758.
Genomic context (GRCh38, chr11:47,333,587, plus strand): 5'-AGGGGGCTCAAGGAGGCCTTGGCCACGCACCAACAACCTGCAGCACCAGCGTGGCCTTGT[C>T]CTCCATGTTCTCAATGCGCACCGTCACCTGGTAAGTGCCTGAATGCACGCGGCGAGCGGC-3'
Protein context (NP_000247.2, residues 1044-1064): QVTVRIENME[Asp1054Asn]KATLVLQVVD

ClinVar aggregate classification (germline): Conflicting classifications of pathogenicity. Review status: criteria provided, conflicting classifications (1 of 4 stars). 6 submissions from 6 submitters: Uncertain significance (5); Likely benign (1). Last evaluated 2026-07-09.

Conditions:
Cardiomyopathy (CMYO). Also called: Cardiomyopathies. Identifiers: Orphanet 167848, MedGen C0878544, MONDO:0004994, HP:0001638. Inheritance: Various modes of inheritance.
Hypertrophic cardiomyopathy. Also called: HYPERTROPHIC MYOCARDIOPATHY. Identifiers: Orphanet 217569, MedGen C0007194, MeSH D002312, MONDO:0005045, HP:0001639.
Cardiovascular phenotype. Identifiers: MedGen CN230736.
MYBPC3-related disorder. Also called: MYBPC3-related condition; MYBPC3-related disease; MYBPC3-related disorders.

Allele frequency attached by ClinVar (database versions not stated): gnomAD 0.00001; gnomAD exomes 0.00001; TOPMed 0.00001.
gnomAD v4.1: 20 of 1,601,446 alleles (0.0012%); highest among the groups gnomAD compares: Non-Finnish European, 0.0016%; no homozygotes.

Submissions (6):

PreventionGenetics, part of Exact Sciences
Classification: Uncertain significance for MYBPC3-related condition. Last evaluated: 2026-07-09. Review status: criteria provided, single submitter. Criteria: ACMG Guidelines, 2015. Collection method: clinical testing. Allele origin: germline.
Comment: The MYBPC3 c.3160G>A variant is predicted to result in the amino acid substitution p.Asp1054Asn. To our knowledge, this variant has not been reported in the literature in individuals with MYBPC3-related disorders. This variant is reported in 0.00089% of alleles in individuals of European (non-Finnish) descent in gnomAD and has conflicting interpretations in ClinVar ranging from likely benign to uncertain (Variation ID: 1728307). At this time, the clinical significance of this variant is uncertain due to the absence of conclusive functional and genetic evidence.

Labcorp Genetics (formerly Invitae), Labcorp
Classification: Uncertain significance for Hypertrophic cardiomyopathy. Last evaluated: 2025-11-22. Review status: criteria provided, single submitter. Criteria: Invitae Variant Classification Sherloc (09022015). Collection method: clinical testing. Allele origin: germline.
Comment: This sequence change replaces aspartic acid, which is acidic and polar, with asparagine, which is neutral and polar, at codon 1054 of the MYBPC3 protein (p.Asp1054Asn). This variant is present in population databases (no rsID available, gnomAD 0.0009%). This variant has not been reported in the literature in individuals affected with MYBPC3-related conditions. ClinVar contains an entry for this variant (Variation ID: 1728307). An algorithm developed to predict the effect of missense changes on protein structure and function (PolyPhen-2) suggests that this variant is likely to be disruptive. In summary, the available evidence is currently insufficient to determine the role of this variant in disease. Therefore, it has been classified as a Variant of Uncertain Significance.

Color Diagnostics, LLC DBA Color Health
Classification: Uncertain significance for Cardiomyopathy. Last evaluated: 2025-08-19. Review status: criteria provided, single submitter. Criteria: ACMG Guidelines, 2015. Collection method: clinical testing. Allele origin: germline.
Comment: This missense variant replaces aspartic acid with asparagine at codon 1054 of the MYBPC3 protein. Computational prediction suggests that this variant may not impact protein structure and function. To our knowledge, functional studies have not been reported for this variant. This variant has been reported in a child affected with cardiomyopathy (PMID: 35629155). This variant has been identified in 1/240422 chromosomes in the general population by the Genome Aggregation Database (gnomAD). The available evidence is insufficient to determine the role of this variant in disease conclusively. Therefore, this variant is classified as a Variant of Uncertain Significance.

GeneDx
Classification: Uncertain significance. Last evaluated: 2025-05-28. Review status: criteria provided, single submitter. Criteria: GeneDx Variant Classification Process June 2021. Collection method: clinical testing. Allele origin: germline. Affected: yes.
Comment: Not observed at significant frequency in large population cohorts (gnomAD); In silico analysis supports that this missense variant has a deleterious effect on protein structure/function; Has not been previously published as pathogenic or benign to our knowledge

Ambry Genetics
Classification: Likely benign for Cardiovascular phenotype. Last evaluated: 2024-12-30. Review status: criteria provided, single submitter. Criteria: Ambry Variant Classification Scheme 2023. Collection method: clinical testing. Allele origin: germline.

All of Us Research Program, National Institutes of Health
Classification: Uncertain significance for Hypertrophic cardiomyopathy. Last evaluated: 2024-09-23. Review status: criteria provided, single submitter. Criteria: ACMG Guidelines, 2015. Collection method: clinical testing. Allele origin: germline. Inheritance: Autosomal dominant inheritance. Observed: 3 variant alleles, 3 heterozygotes.
Comment: This study involves interpretation of variants in research participants for the purpose of population health screening. Participant phenotype was not available at the time of variant classification. Additional details can be found in publication PMID: 35346344, PMCID: PMC8962531

Literature cited by the submitters: PubMed 35629155 (cited by Color Diagnostics, LLC DBA Color Health).